The following is an entry in ClinVar:

ClinVar aggregate classification (germline): Uncertain significance. Review status: criteria provided, multiple submitters, no conflicts (2 of 4 stars). 6 submissions from 6 submitters: Uncertain significance (5). 1 of the submissions does not count toward it. Last evaluated 2025-10-27.

Conditions:
Ataxia-telangiectasia syndrome (AT). Also called: Ataxia telangiectasia (A-T); LOUIS-BAR SYNDROME; Cerebello-oculocutaneous telangiectasia; Immunodeficiency with ataxia telangiectasia; Ataxia-telangiectasia, complementation group D; AT, COMPLEMENTATION GROUP C. Identifiers: Orphanet 100, MedGen C0004135, MONDO:0008840, OMIM 208900.
Familial cancer of breast. Also called: Hereditary breast cancer; hereditary breast carcinoma; BREAST CANCER, FAMILIAL. Identifiers: Orphanet 227535, MedGen C0346153, MONDO:0016419, OMIM 114480. Disease mechanism: loss of function.
Hereditary cancer-predisposing syndrome. Also called: Hereditary neoplastic syndrome; Neoplastic Syndromes, Hereditary; Tumor predisposition; Hereditary Cancer Syndrome. Identifiers: Orphanet 140162, MedGen C0027672, MeSH D009386, MONDO:0015356.
Malignant tumor of breast. Also called: Cancer breast; Malignant breast neoplasm. Identifiers: MedGen C0006142, MONDO:0007254. Disease mechanism: loss of function.

Allele frequency attached by ClinVar (database versions not stated): gnomAD exomes below 0.00001; TOPMed below 0.00001; gnomAD 0.00001.

Submissions (6):

Ambry Genetics
Classification: Uncertain significance for Hereditary cancer-predisposing syndrome. Last evaluated: 2025-10-27. Review status: criteria provided, single submitter. Criteria: Ambry Variant Classification Scheme 2023. Collection method: clinical testing. Allele origin: germline.
Comment: The p.M1916T variant (also known as c.5747T>C), located in coding exon 37 of the ATM gene, results from a T to C substitution at nucleotide position 5747. The methionine at codon 1916 is replaced by threonine, an amino acid with similar properties. This amino acid position is not well conserved in available vertebrate species. In addition, the in silico prediction for this alteration is inconclusive. Based on the available evidence, the clinical significance of this variant remains unclear.

Labcorp Genetics (formerly Invitae), Labcorp
Classification: Uncertain significance for Ataxia-telangiectasia syndrome. Last evaluated: 2024-11-24. Review status: criteria provided, single submitter. Criteria: Invitae Variant Classification Sherloc (09022015). Collection method: clinical testing. Allele origin: germline.
Comment: This sequence change replaces methionine, which is neutral and non-polar, with threonine, which is neutral and polar, at codon 1916 of the ATM protein (p.Met1916Thr). This variant is not present in population databases (gnomAD no frequency). This variant has not been reported in the literature in individuals affected with ATM-related conditions. ClinVar contains an entry for this variant (Variation ID: 407488). Invitae Evidence Modeling of protein sequence and biophysical properties (such as structural, functional, and spatial information, amino acid conservation, physicochemical variation, residue mobility, and thermodynamic stability) indicates that this missense variant is not expected to disrupt ATM protein function with a negative predictive value of 95%. In summary, the available evidence is currently insufficient to determine the role of this variant in disease. Therefore, it has been classified as a Variant of Uncertain Significance.

Color Diagnostics, LLC DBA Color Health
Classification: Uncertain significance for Hereditary cancer-predisposing syndrome. Last evaluated: 2024-10-22. Review status: criteria provided, single submitter. Criteria: ACMG Guidelines, 2015. Collection method: clinical testing. Allele origin: germline.
Comment: This missense variant replaces methionine with threonine at codon 1916 of the ATM protein. Computational prediction suggests that this variant may not impact protein structure and function. To our knowledge, functional studies have not been performed for this variant. This variant has not been reported in individuals affected with hereditary cancer in the literature. This variant has not been identified in the general population by the Genome Aggregation Database (gnomAD). The available evidence is insufficient to determine the role of this variant in disease conclusively. Therefore, this variant is classified as a Variant of Uncertain Significance.

GeneDx
Classification: Uncertain significance. Last evaluated: 2024-03-23. Review status: criteria provided, single submitter. Criteria: GeneDx Variant Classification Process June 2021. Collection method: clinical testing. Allele origin: germline. Affected: yes.
Comment: Not observed at significant frequency in large population cohorts (gnomAD); In silico analysis supports that this missense variant has a deleterious effect on protein structure/function; This variant is associated with the following publications: (PMID: 35585550)

MGZ Medical Genetics Center
Classification: Uncertain significance for Familial cancer of breast. Last evaluated: 2022-07-15. Review status: criteria provided, single submitter. Criteria: ACMG Guidelines, 2015. Collection method: clinical testing. Allele origin: germline. Affected: yes. Observed: 1 variant allele.
Comment: ACMG criteria applied: PM2_SUP, BP4

Department of Pathology and Laboratory Medicine, Sinai Health System
Classification: Uncertain significance for Malignant tumor of breast. Review status: no assertion criteria provided. Collection method: clinical testing. Allele origin: unknown. Affected: yes. Study: The Canadian Open Genetics Repository (COGR). Not counted in ClinVar's aggregate classification.
Comment: The ATM p.Met1916Thr variant was not identified in the literature nor was it identified in the dbSNP, GeneInsight-COGR, Cosmic, MutDB, LOVD 3.0, ATM-LOVD, databases. The variant was identified in ClinVar (classified as uncertain significance by Invitae, GeneDx) database. The variant was not identified in the 1000 Genomes Project, the NHLBI GO Exome Sequencing Project or the Exome Aggregation Consortium (August 8th 2016) control databases. The p.Met1916 residue is not conserved in mammals and computational analyses (PolyPhen-2, SIFT, AlignGVGD, BLOSUM, MutationTaster) provide inconsistent predictions regarding the impact to the protein; this information is not very predictive of pathogenicity. The variant occurs outside of the splicing consensus sequence and in silico or computational prediction software programs (SpliceSiteFinder, MaxEntScan, NNSPLICE, GeneSplicer, HumanSpliceFinder) do not predict a difference in splicing. In summary, based on the above information, the clinical significance of this variant cannot be determined with certainty at this time. This variant is classified as a variant of uncertain significance.

NM_000051.4(ATM):c.5747T>C (p.Met1916Thr)

Gene: ATM (ATM serine/threonine kinase; plus strand). Cytogenetic location: 11q22.3.
Variant type: single nucleotide variant.
Coding change: c.5747T>C on transcript NM_000051.4 (MANE Select); coding-DNA position 5747, T replaced by C.
Protein change: p.Met1916Thr; replaces methionine 1916 with threonine.
Molecular consequence: missense variant.
Genome position (GRCh38, 1-based): chr11:108,307,969, T>C. VCF-style: chr11-108307969-T-C. GRCh37 (hg19) VCF-style: chr11-108178696-T-C.
Other names: c.5747T>C, p.Met1916Thr (NM_001351834.2); short protein forms M1916T.
Identifiers: ClinVar variation 407488 (VCV000407488.31), dbSNP rs1060501557, ClinGen allele CA16613079.